The following is an entry in ClinVar:

NM_001267550.2(TTN):c.15952del (p.Leu5318fs)

Gene: TTN (titin; minus strand). Cytogenetic location: 2q31.2.
Variant type: Deletion.
Coding change: c.15952del on transcript NM_001267550.2 (MANE Select); coding-DNA position 15952, one base deleted (C; older notation c.15952delC).
Protein change: p.Leu5318fs; shifts the reading frame from leucine 5318.
Molecular consequence: frameshift variant. On other transcripts: intron variant (3).
Genome position (GRCh38, 1-based): chr2:178,733,341, G deleted on the plus strand (C on the coding strand, the reverse complement: TTN is on the minus strand). VCF-style (leftmost placement, unchanged base first): chr2-178733340-AG-A. GRCh37 (hg19) VCF-style: chr2-179598067-AG-A.
Other names: c.15001del, p.Leu5001fs (NM_001256850.1); c.12220del, p.Leu4074fs (NM_133378.4); c.13282+4741del (NM_003319.4); c.13858+4741del (NM_133437.4); c.13657+4741del (NM_133432.3); c.15952delC (NM_001267550.2); short protein forms L4074fs, L5318fs, L5001fs.
Identifiers: ClinVar variation 404923 (VCV000404923.1), dbSNP rs778392667, ClinGen allele CA2002127.

ClinVar aggregate classification (germline): Uncertain significance (1 of 4 stars; one submission).

Conditions:
Dilated cardiomyopathy 1G (CMD1G). Identifiers: Orphanet 154, MedGen C1858763, MONDO:0011400, OMIM 604145.
Autosomal recessive limb-girdle muscular dystrophy type 2J (LGMDR10). Also called: Limb-girdle muscular dystrophy, type 2J; MUSCULAR DYSTROPHY, LIMB-GIRDLE, AUTOSOMAL RECESSIVE 10. Identifiers: Orphanet 140922, MedGen C1837342, MONDO:0012127, OMIM 608807.

Allele frequency attached by ClinVar (database versions not stated): gnomAD exomes below 0.00001 and 0.00001; ExAC 0.00001.

Submission:

Labcorp Genetics (formerly Invitae), Labcorp
Classification: Uncertain significance for Dilated cardiomyopathy 1G; Autosomal recessive limb-girdle muscular dystrophy type 2J. Last evaluated: 2017-04-26. Review status: criteria provided, single submitter. Criteria: Invitae Variant Classification Sherloc (09022015). Collection method: clinical testing. Allele origin: germline.
Comment: This sequence change deletes 1 nucleotide from exon 54 of the TTN mRNA (c.15952delC), causing a frameshift at codon 5318. This creates a premature translational stop signal of the TTN mRNA (p.Leu5318Serfs*34). While this is not anticipated to result in nonsense mediated decay, it is expected to result in disrupted protein product. This variant is present in population databases (rs778392667, ExAC 0.002%) but has not been reported in the literature in individuals with a TTN-related disease. In summary, although this is a rare truncating variant, truncating variants have been shown to be highly prevalent in the TTN gene in the general population and unaffected individuals (PMID: 26701604, 22335739). Furthermore, this truncation is located outside of a clinically relevant region of the TTN gene (PMID: 25589632). For these reasons it has been classified as a Variant of Uncertain Significance.